The following is an entry in ClinVar:

ClinVar aggregate classification (germline): Pathogenic (1 of 4 stars; one submission).

Conditions:
Cataract 1 multiple types. Also called: CATARACT 1, MULTIPLE TYPES, WITH OR WITHOUT MICROCORNEA; CATARACT 1, NUCLEAR PROGRESSIVE; CATARACT 1 WITH MICROCORNEA; CATARACT 1, POSTERIOR SUBCAPSULAR, WITH MICROCORNEA; CATARACT 1, STELLATE NUCLEAR, WITH MICROCORNEA; CATARACT, DUFFY-LINKED. Identifiers: Orphanet 1377, MedGen C1861828, MONDO:0007285, OMIM 116200.

Submission:

Labcorp Genetics (formerly Invitae), Labcorp
Classification: Pathogenic for Cataract 1 multiple types. Last evaluated: 2019-01-16. Review status: criteria provided, single submitter. Criteria: Invitae Variant Classification Sherloc (09022015). Collection method: clinical testing. Allele origin: germline.
Comment: This variant is not present in population databases (ExAC no frequency). For these reasons, this variant has been classified as Pathogenic. This variant disrupts the p.Asp51 amino acid residue in GJA8. Other variant(s) that disrupt this residue have been observed in individuals with GJA8-related conditions (PMID: 26694549, 29464339), suggesting that it is a clinically significant residue. As a result, variants that disrupt this residue are likely to be causative of disease. Algorithms developed to predict the effect of missense changes on protein structure and function (SIFT, PolyPhen-2, Align-GVGD) all suggest that this variant is likely to be disruptive, but these predictions have not been confirmed by published functional studies and their clinical significance is uncertain. This sequence change replaces aspartic acid with glutamic acid at codon 51 of the GJA8 protein (p.Asp51Glu). The aspartic acid residue is highly conserved and there is a small physicochemical difference between aspartic acid and glutamic acid.

Literature cited by the submitters: PubMed 26694549; PubMed 29464339.

NM_005267.5(GJA8):c.153C>G (p.Asp51Glu)

Gene: GJA8 (gap junction protein alpha 8; plus strand). Cytogenetic location: 1q21.2.
Variant type: single nucleotide variant.
Coding change: c.153C>G on transcript NM_005267.5 (MANE Select); coding-DNA position 153, C replaced by G.
Protein change: p.Asp51Glu; replaces aspartic acid 51 with glutamic acid.
Molecular consequence: missense variant.
Genome position (GRCh38, 1-based): chr1:147,908,108, C>G. VCF-style: chr1-147908108-C-G. GRCh37 (hg19) VCF-style: chr1-147380235-C-G.
Other names: short protein forms D51E.
Identifiers: ClinVar variation 574353 (VCV000574353.10), dbSNP rs1307969607, ClinGen allele CA342223340.